The following is an entry in ClinVar:

ClinVar aggregate classification (germline): Uncertain significance (1 of 4 stars; one submission).

Conditions:
Glycogen storage disease type III (GSD3). Also called: Cori disease; FORBES DISEASE. Identifiers: Orphanet 366, MedGen C0017922, MONDO:0009291, OMIM 232400.

Allele frequency attached by ClinVar (database versions not stated): gnomAD exomes below 0.00001; gnomAD 0.00001; TOPMed 0.00001.
gnomAD v4.1: 5 of 1,613,770 alleles (0.00031%); highest among the groups gnomAD compares: Non-Finnish European, 0.00042%; no homozygotes.

Submission:

Labcorp Genetics (formerly Invitae), Labcorp
Classification: Uncertain significance for Glycogen storage disease type III. Last evaluated: 2023-04-10. Review status: criteria provided, single submitter. Criteria: Invitae Variant Classification Sherloc (09022015). Collection method: clinical testing. Allele origin: germline.
Comment: This variant has not been reported in the literature in individuals affected with AGL-related conditions. This variant is present in population databases (no rsID available, gnomAD 0.007%). This sequence change replaces alanine, which is neutral and non-polar, with valine, which is neutral and non-polar, at codon 640 of the AGL protein (p.Ala640Val). ClinVar contains an entry for this variant (Variation ID: 2202677). Advanced modeling of protein sequence and biophysical properties (such as structural, functional, and spatial information, amino acid conservation, physicochemical variation, residue mobility, and thermodynamic stability) performed at Invitae indicates that this missense variant is not expected to disrupt AGL protein function. In summary, the available evidence is currently insufficient to determine the role of this variant in disease. Therefore, it has been classified as a Variant of Uncertain Significance.

NM_000642.3(AGL):c.1919C>T (p.Ala640Val)

Gene: AGL (amylo-alpha-1,6-glucosidase and 4-alpha-glucanotransferase; plus strand). Cytogenetic location: 1p21.2.
Variant type: single nucleotide variant.
Coding change: c.1919C>T on transcript NM_000642.3 (MANE Select); coding-DNA position 1919, C replaced by T.
Protein change: p.Ala640Val; replaces alanine 640 with valine.
Molecular consequence: missense variant.
Genome position (GRCh38, 1-based): chr1:99,881,095, C>T. VCF-style: chr1-99881095-C-T. GRCh37 (hg19) VCF-style: chr1-100346651-C-T.
Other names: c.1919C>T, p.Ala640Val (NM_000028.3, NM_000643.3, NM_000644.3 and 2 more transcripts); c.1871C>T, p.Ala624Val (NM_000646.3); c.1718C>T, p.Ala573Val (NM_001425327.1); c.1715C>T, p.Ala572Val (NM_001425328.1, NM_001425329.1); c.1541C>T, p.Ala514Val (NM_001425332.1); short protein forms A640V, A624V, A514V, A572V, A573V.
Identifiers: ClinVar variation 2202677 (VCV002202677.4), dbSNP rs1466880728, ClinGen allele CA341317902.